The following is an entry in ClinVar:

NM_005751.5(AKAP9):c.8467_8470del (p.Gln2823fs)

Gene: AKAP9 (A-kinase anchoring protein 9; plus strand). Cytogenetic location: 7q21.2.
Variant type: Microsatellite.
Coding change: c.8467_8470del on transcript NM_005751.5 (MANE Select); coding-DNA positions 8467 to 8470, 4 bases deleted (CAGT; older notation c.8467_8470delCAGT).
Protein change: p.Gln2823fs; shifts the reading frame from glutamine 2823.
Molecular consequence: frameshift variant.
Genome position (GRCh38, 1-based): chr7:92,083,476-92,083,479, CAGT deleted; deleting any 4 consecutive bases within chr7:92,083,471-92,083,479 gives the same sequence; the c. name uses the placement nearest the transcript's 3' end. VCF-style (leftmost placement, unchanged base first): chr7-92083470-ATCAG-A. GRCh37 (hg19) VCF-style: chr7-91712784-ATCAG-A.
Other names: c.3112_3115del, p.Gln1038fs (NM_001379277.1); c.8443_8446del, p.Gln2815fs (NM_147185.3); short protein forms Q1038fs, Q2823fs, Q2815fs.
Identifiers: ClinVar variation 3685387 (VCV003685387.2).

ClinVar aggregate classification (germline): Uncertain significance (1 of 4 stars; one submission).

Conditions:
Long QT syndrome (LQTS). Identifiers: MedGen C0023976, MeSH D008133, MONDO:0002442. Disease mechanism: loss of function. Inheritance: Various modes of inheritance.

Submission:

Labcorp Genetics (formerly Invitae), Labcorp
Classification: Uncertain significance for Long QT syndrome. Last evaluated: 2024-03-15. Review status: criteria provided, single submitter. Criteria: Invitae Variant Classification Sherloc (09022015). Collection method: clinical testing. Allele origin: germline.
Comment: This sequence change creates a premature translational stop signal (p.Gln2823Leufs*30) in the AKAP9 gene. It is expected to result in an absent or disrupted protein product. However, the current clinical and genetic evidence is not sufficient to establish whether loss-of-function variants in AKAP9 cause disease. This variant is not present in population databases (gnomAD no frequency). This variant has not been reported in the literature in individuals affected with AKAP9-related conditions. In summary, the available evidence is currently insufficient to determine the role of this variant in disease. Therefore, it has been classified as a Variant of Uncertain Significance.